The following is an entry in ClinVar:

NM_152703.5(SAMD9L):c.2034G>C (p.Glu678Asp)

Gene: SAMD9L (sterile alpha motif domain containing 9 like; minus strand). Cytogenetic location: 7q21.2.
Variant type: single nucleotide variant.
Coding change: c.2034G>C on transcript NM_152703.5 (MANE Select); coding-DNA position 2034, G replaced by C.
Protein change: p.Glu678Asp; replaces glutamic acid 678 with aspartic acid.
Molecular consequence: missense variant.
Genome position (GRCh38, 1-based): chr7:93,133,938, C>G on the plus strand (G>C on the coding strand, the complement: SAMD9L is on the minus strand). VCF-style: chr7-93133938-C-G. GRCh37 (hg19) VCF-style: chr7-92763251-C-G.
Other names: c.2034G>C, p.Glu678Asp (NM_001303496.3, NM_001303497.3, NM_001303498.3 and 5 more transcripts); short protein forms E678D.
Identifiers: ClinVar variation 4863907 (VCV004863907.1).
Genomic context (GRCh38, chr7:93,133,938, plus strand): 5'-GAAGTTCCACCAGGATACTTTGCCACCTCGATAAAAGTGTTCTTCTTTTGATTTCTTAAA[C>G]TCCAGGAATTTAGATTTGTCTTTCTCGATGTCTGTCTCTGTACACTCATTTTCACAGAGG-3'
Protein context (NP_689916.2, residues 668-688): DIEKDKSKFL[Glu678Asp]FKKSKEEHFY

ClinVar aggregate classification (germline): Uncertain significance (1 of 4 stars; one submission).

Conditions:
Inborn genetic diseases. Identifiers: MedGen C0950123, MeSH D030342.

Submission:

Ambry Genetics
Classification: Uncertain significance for Inborn genetic diseases. Last evaluated: 2026-03-22. Review status: criteria provided, single submitter. Criteria: Ambry Variant Classification Scheme 2023. Collection method: clinical testing. Allele origin: germline.
Comment: The p.E678D variant (also known as c.2034G>C), located in coding exon 1 of the SAMD9L gene, results from a G to C substitution at nucleotide position 2034. The glutamic acid at codon 678 is replaced by aspartic acid, an amino acid with highly similar properties. This amino acid position is conserved. In addition, this alteration is predicted to be tolerated by in silico analysis. Based on the available evidence, the clinical significance of this variant remains unclear.